The following is an entry in ClinVar:

NM_001110556.2(FLNA):c.75C>A (p.Asp25Glu)

Gene: FLNA (filamin A; minus strand). Cytogenetic location: Xq28.
Variant type: single nucleotide variant.
Coding change: c.75C>A on transcript NM_001110556.2 (MANE Select); coding-DNA position 75, C replaced by A.
Protein change: p.Asp25Glu; replaces aspartic acid 25 with glutamic acid.
Molecular consequence: missense variant.
Genome position (GRCh38, 1-based): chrX:154,371,171, G>T on the plus strand (C>A on the coding strand, the complement: FLNA is on the minus strand). VCF-style: chrX-154371171-G-T. GRCh37 (hg19) VCF-style: chrX-153599539-G-T.
Other names: c.75C>A, p.Asp25Glu (NM_001456.4); short protein forms D25E.
Identifiers: ClinVar variation 2942776 (VCV002942776.3), dbSNP rs2522771942, ClinGen allele CA415255680.
Genomic context (GRCh38, chrX:154,371,171, plus strand): 5'-CTGGATCTTCTTCCACGGCGCGTCCTCCGCCAGGTCCTTCTCGGTGGCCGGCATCTCGGC[G>T]TCCCGCGTGTCGACGCCGCCGCCCGGAGCCGCGCCTGCTGCGCTCTGGCCCGCCCGAGAG-3'
Protein context (NP_001104026.1, residues 15-35): AAPGGGVDTR[Asp25Glu]AEMPATEKDL

ClinVar aggregate classification (germline): Uncertain significance (1 of 4 stars; one submission).

Conditions:
Oto-palato-digital syndrome, type II (OPD2). Also called: FACIOPALATOOSSEOUS SYNDROME; OPD II SYNDROME; Otopalatodigital Syndrome, Type II; Otopalatodigital Syndrome Type 2 (FLNA-OPD2). Identifiers: Orphanet 669, Orphanet 90652, MedGen C1844696, MONDO:0010571, OMIM 304120.
Heterotopia, periventricular, X-linked dominant (PVNH1). Also called: PERIVENTRICULAR NODULAR HETEROTOPIA 1; X-linked periventricular heterotopia; PERIVENTRICULAR NODULAR HETEROTOPIA 4; HETEROTOPIA, PERIVENTRICULAR, 1. Identifiers: Orphanet 2149, Orphanet 82004, MedGen C1848213, MONDO:0010233, OMIM 300049.
Frontometaphyseal dysplasia (FMD1). Identifiers: Orphanet 1826, MedGen C0265293, MONDO:0015942.
Melnick-Needles syndrome (MNS). Also called: MELNICK-NEEDLES OSTEODYSPLASTY; OSTEODYSPLASTY OF MELNICK AND NEEDLES; Melnick-Needles Syndrome (FLNA-MNS). Identifiers: Orphanet 2484, MedGen C0025237, MONDO:0010650, OMIM 309350.

gnomAD v4.1: 2 of 1,194,268 alleles (0.00017%); no homozygotes.

Submission:

Labcorp Genetics (formerly Invitae), Labcorp
Classification: Uncertain significance for Oto-palato-digital syndrome, type II; Heterotopia, periventricular, X-linked dominant; Frontometaphyseal dysplasia; Melnick-Needles syndrome. Last evaluated: 2022-12-29. Review status: criteria provided, single submitter. Criteria: Invitae Variant Classification Sherloc (09022015). Collection method: clinical testing. Allele origin: germline.
Comment: In summary, the available evidence is currently insufficient to determine the role of this variant in disease. Therefore, it has been classified as a Variant of Uncertain Significance. Advanced modeling of protein sequence and biophysical properties (such as structural, functional, and spatial information, amino acid conservation, physicochemical variation, residue mobility, and thermodynamic stability) performed at Invitae indicates that this missense variant is not expected to disrupt FLNA protein function. This variant has not been reported in the literature in individuals affected with FLNA-related conditions. This variant is not present in population databases (gnomAD no frequency). This sequence change replaces aspartic acid, which is acidic and polar, with glutamic acid, which is acidic and polar, at codon 25 of the FLNA protein (p.Asp25Glu).